The following is an entry in ClinVar:

ClinVar aggregate classification (germline): Pathogenic/Likely pathogenic. Review status: criteria provided, multiple submitters, no conflicts (2 of 4 stars). 3 submissions from 3 submitters: Pathogenic (2); Likely pathogenic (1). Last evaluated 2024-06-07.

Conditions:
Primary ciliary dyskinesia. Also called: Ciliary dyskinesia. Identifiers: Orphanet 244, MedGen C0008780, MONDO:0016575, HP:0012265.

Submissions (3):

Natera, Inc.
Classification: Likely pathogenic for Primary ciliary dyskinesia. Last evaluated: 2024-06-07. Review status: criteria provided, single submitter. Criteria: Natera Variant Classification Schema (03/2026). Collection method: clinical testing. Allele origin: germline.
Comment: The c.6368delG variant in DNAH5 is a frameshift variant predicted to shift the reading frame beginning at codon 2123 and leads to a stop codon 66 codons downstream. This variant is expected to result in nonsense mediated decay, truncation, or a dysfunctional protein product. This variant is rare in the general population with a frequency below the threshold expected for the associated phenotype(s). Given the available evidence, this variant is classified as Likely Pathogenic.

Labcorp Genetics (formerly Invitae), Labcorp
Classification: Pathogenic for Primary ciliary dyskinesia. Last evaluated: 2021-08-07. Review status: criteria provided, single submitter. Criteria: Invitae Variant Classification Sherloc (09022015). Collection method: clinical testing. Allele origin: germline.
Comment: For these reasons, this variant has been classified as Pathogenic. This variant has not been reported in the literature in individuals affected with DNAH5-related conditions. This variant is not present in population databases (ExAC no frequency). This sequence change creates a premature translational stop signal (p.Gly2123Alafs*66) in the DNAH5 gene. It is expected to result in an absent or disrupted protein product. Loss-of-function variants in DNAH5 are known to be pathogenic (PMID: 11788826, 16627867).

Ambry Genetics
Classification: Pathogenic for Primary ciliary dyskinesia. Last evaluated: 2016-08-05. Review status: criteria provided, single submitter. Criteria: Ambry Variant Classification Scheme 2023. Collection method: clinical testing. Allele origin: germline.
Comment: The c.6368delG pathogenic mutation, located in coding exon 38 of the DNAH5 gene, results from a deletion of one nucleotide at position 6368, causing a translational frameshift with a predicted alternate stop codon (p.G2123Afs*66). This alteration is expected to result in loss of function by premature protein truncation or nonsense-mediated mRNA decay. As such, this alteration is interpreted as a disease-causing mutation.

Literature cited by the submitters: PubMed 11788826 (cited by Labcorp Genetics (formerly Invitae), Labcorp); PubMed 16627867 (cited by Labcorp Genetics (formerly Invitae), Labcorp).

NM_001369.3(DNAH5):c.6368del (p.Gly2123fs)

Gene: DNAH5 (dynein axonemal heavy chain 5; minus strand). Cytogenetic location: 5p15.2.
Variant type: Deletion.
Coding change: c.6368del on transcript NM_001369.3 (MANE Select); coding-DNA position 6368, one base deleted (G; older notation c.6368delG).
Protein change: p.Gly2123fs; shifts the reading frame from glycine 2123.
Molecular consequence: frameshift variant.
Genome position (GRCh38, 1-based): chr5:13,829,586, C deleted on the plus strand (G on the coding strand, the reverse complement: DNAH5 is on the minus strand); the first of 2 consecutive C bases (chr5:13,829,586-13,829,587); deleting either gives the same sequence. VCF-style (leftmost placement, unchanged base first): chr5-13829585-GC-G. GRCh37 (hg19) VCF-style: chr5-13829694-GC-G.
Other names: short protein forms G2123fs.
Identifiers: ClinVar variation 1456048 (VCV001456048.9), dbSNP rs2151835119, ClinGen allele CA2573138475.
Genomic context (GRCh38, chr5:13,829,585, plus strand): 5'-CTCCTCACACAGTTTGTAGAGCGTGAAAAACTTCCTGGCCAAAACAACGTTGTCAATGAA[GC>G]CACAACTAGCCAACTTCACCCTTATGATAATCTGACGGTCAGGCACCATCATGGCCACTG-3'